The following is an entry in ClinVar:

NM_000529.2(MC2R):c.*2432A>C

Gene: MC2R (melanocortin 2 receptor; minus strand). Cytogenetic location: 18p11.21.
Variant type: single nucleotide variant.
Coding change: c.*2432A>C on transcript NM_000529.2 (MANE Select); 2432 bases downstream of the stop codon, A replaced by C.
Molecular consequence: 3 prime UTR variant.
Genome position (GRCh38, 1-based): chr18:13,882,193, T>G on the plus strand (A>C on the coding strand, the complement: MC2R is on the minus strand). VCF-style: chr18-13882193-T-G. GRCh37 (hg19) VCF-style: chr18-13882192-T-G.
Other names: c.*2432A>C (NM_001291911.1).
Identifiers: ClinVar variation 326123 (VCV000326123.6), dbSNP rs187121326, ClinGen allele CA10647193.

ClinVar aggregate classification (germline): Likely benign. Review status: criteria provided, multiple submitters, no conflicts (2 of 4 stars). 2 submissions from 2 submitters: Likely benign (2). Last evaluated 2018-01-13.

Conditions:
Glucocorticoid deficiency 1 (GCCD1). Also called: FAMILIAL GLUCOCORTICOID DEFICIENCY 1; Adrenal unresponsiveness to acth; Glucocorticoid deficiency, due to ACTH unresponsiveness. Identifiers: Orphanet 361, MedGen C4049650, MONDO:0024536, OMIM 202200.

Allele frequency attached by ClinVar (database versions not stated): 1000 Genomes Project 30x 0.00437; 1000 Genomes Project 0.00439; gnomAD 0.00980 and 0.00999; TOPMed 0.00985.

Submissions (2):

Illumina Laboratory Services, Illumina
Classification: Likely benign for Glucocorticoid deficiency 1. Last evaluated: 2018-01-13. Review status: criteria provided, single submitter. Criteria: ICSL Variant Classification Criteria 13 December 2019. Collection method: clinical testing. Allele origin: germline.
Comment: This variant was observed in the ICSL laboratory as part of a predisposition screen in an ostensibly healthy population. It had not been previously curated by ICSL or reported in the Human Gene Mutation Database (HGMD: prior to June 1st, 2018), and was therefore a candidate for classification through an automated scoring system. Utilizing variant allele frequency, disease prevalence and penetrance estimates, and inheritance mode, an automated score was calculated to assess if this variant is too frequent to cause the disease. Based on the score and internal cut-off values, a variant classified as likely benign is not then subjected to further curation. The score for this variant resulted in a classification of likely benign for this disease.

Breakthrough Genomics
Classification: Likely benign. Review status: criteria provided, single submitter. Criteria: ACMG Guidelines, 2015. Collection method: not provided. Allele origin: germline. Inheritance: Autosomal recessive inheritance. Affected: yes.